The following is an entry in ClinVar:

NM_000452.3(SLC10A2):c.431G>A (p.Cys144Tyr)

Gene: SLC10A2 (solute carrier family 10 member 2; minus strand). Cytogenetic location: 13q33.1.
Variant type: single nucleotide variant.
Coding change: c.431G>A on transcript NM_000452.3 (MANE Select); coding-DNA position 431, G replaced by A.
Protein change: p.Cys144Tyr; replaces cysteine 144 with tyrosine.
Molecular consequence: missense variant.
Genome position (GRCh38, 1-based): chr13:103,058,329, C>T on the plus strand (G>A on the coding strand, the complement: SLC10A2 is on the minus strand). VCF-style: chr13-103058329-C-T. GRCh37 (hg19) VCF-style: chr13-103710679-C-T.
Other names: c.431G>A (NM_000452.2); short protein forms C144Y.
Identifiers: ClinVar variation 1429993 (VCV001429993.10), dbSNP rs143238545, ClinGen allele CA7042221.

ClinVar aggregate classification (germline): Uncertain significance. Review status: criteria provided, multiple submitters, no conflicts (2 of 4 stars). 3 submissions from 3 submitters: Uncertain significance (3). Last evaluated 2026-09-13.

Conditions:
SLC10A2-related disorder. Also called: SLC10A2-related condition.
Bile acid malabsorption, primary, 1 (PBAM1). Also called: Bile acid malabsorption, primary. Identifiers: MedGen C5561934, MONDO:0013214, OMIM 613291.

Allele frequency attached by ClinVar (database versions not stated): ESP Exome Variant Server 0.00031.
gnomAD v4.1: 174 of 1,613,846 alleles (0.011%); highest among the groups gnomAD compares: Middle Eastern, 0.016%; no homozygotes.

Submissions (3):

PreventionGenetics, part of Exact Sciences
Classification: Uncertain significance for SLC10A2-related condition. Last evaluated: 2026-09-13. Review status: criteria provided, single submitter. Criteria: ACMG Guidelines, 2015. Collection method: clinical testing. Allele origin: germline.
Comment: The SLC10A2 c.431G>A variant is predicted to result in the amino acid substitution p.Cys144Tyr. To our knowledge, this variant has not been reported in the literature in individuals with SLC10A2-related disorders. This variant is reported in 0.38% of alleles in individuals of Ashkenazi Jewish descent in gnomAD, but at lower frequency or absent in other subpopulations. Although we suspect that this variant may be benign, at this time, the clinical significance of this variant is uncertain due to the absence of conclusive functional and genetic evidence.

Labcorp Genetics (formerly Invitae), Labcorp
Classification: Uncertain significance. Last evaluated: 2025-05-22. Review status: criteria provided, single submitter. Criteria: Invitae Variant Classification Sherloc (09022015). Collection method: clinical testing. Allele origin: germline.
Comment: This sequence change replaces cysteine, which is neutral and slightly polar, with tyrosine, which is neutral and polar, at codon 144 of the SLC10A2 protein (p.Cys144Tyr). This variant is present in population databases (rs143238545, gnomAD 0.3%), and has an allele count higher than expected for a pathogenic variant. This variant has not been reported in the literature in individuals affected with SLC10A2-related conditions. ClinVar contains an entry for this variant (Variation ID: 1429993). Invitae Evidence Modeling of protein sequence and biophysical properties (such as structural, functional, and spatial information, amino acid conservation, physicochemical variation, residue mobility, and thermodynamic stability) indicates that this missense variant is not expected to disrupt SLC10A2 protein function with a negative predictive value of 80%. Experimental studies have shown that this missense change affects SLC10A2 function (PMID: 21649730). In summary, the available evidence is currently insufficient to determine the role of this variant in disease. Therefore, it has been classified as a Variant of Uncertain Significance.

Department of Pathology and Laboratory Medicine, Sinai Health System
Classification: Uncertain significance for Bile acid malabsorption, primary, 1. Last evaluated: 2022-08-25. Review status: criteria provided, single submitter. Criteria: ACMG Guidelines, 2015. Collection method: research. Allele origin: germline.

Literature cited by the submitters: PubMed 21649730 (cited by Labcorp Genetics (formerly Invitae), Labcorp).